The following is an entry in ClinVar:

NM_000372.5(TYR):c.1037-7T>A

Gene: TYR (tyrosinase; plus strand). Cytogenetic location: 11q14.3.
Variant type: single nucleotide variant.
Coding change: c.1037-7T>A on transcript NM_000372.5 (MANE Select); 7 bases into the intron before coding-DNA position 1037, T replaced by A.
Molecular consequence: intron variant.
Genome position (GRCh38, 1-based): chr11:89,227,816, T>A. VCF-style: chr11-89227816-T-A. GRCh37 (hg19) VCF-style: chr11-88960984-T-A.
Other names: c.[1037-7T>A] (NM_000372.4).
Identifiers: ClinVar variation 99527 (VCV000099527.119), dbSNP rs61754381, ClinGen allele CA227489.

ClinVar aggregate classification (germline): Pathogenic/Likely pathogenic. Review status: criteria provided, multiple submitters, no conflicts (2 of 4 stars). 46 submissions from 42 submitters: Pathogenic (34); Likely pathogenic (6). 6 of the submissions do not count toward it. Last evaluated 2026-06-23.

Conditions:
Inborn genetic diseases. Identifiers: MedGen C0950123, MeSH D030342.
Oculocutaneous albinism type 1A (OCA1A). Also called: Albinism, oculocutaneous, type IA. Identifiers: Orphanet 352731, Orphanet 79431, MedGen C4551504, MONDO:0008745, OMIM 203100. Disease mechanism: loss of function.
Oculocutaneous albinism type 1B (OCA1B). Also called: YELLOW ALBINISM; ALBINISM, OCULOCUTANEOUS, TYPE IB; ALBINISM, YELLOW MUTANT TYPE. Identifiers: Orphanet 352731, Orphanet 352737, Orphanet 79434, MedGen C1847024, MONDO:0011749, OMIM 606952.
SKIN/HAIR/EYE PIGMENTATION 3, LIGHT/DARK SKIN (SHEP3). Also called: SKIN/HAIR/EYE PIGMENTATION 3, BLUE/GREEN EYE COLOR; SKIN/HAIR/EYE PIGMENTATION 3, FRECKLING; SKIN/HAIR/EYE PIGMENTATION, VARIATION IN, 3; EYE COLOR 1; EYE COLOR, GREEN/BLUE. Identifiers: MedGen C2677190, OMIM 601800.
Albinism. Identifiers: MedGen C0001916, MONDO:0043209, HP:0001022.
Myopia. Also called: Myopia (disease). Identifiers: MedGen C0027092, MONDO:0001384, HP:0000545.
Nystagmus. Identifiers: MedGen C0028738, MONDO:0004843, HP:0000639.
Albinism or congenital nystagmus.
TYR-related disorder. Also called: TYR-related condition.
Nonsyndromic Oculocutaneous Albinism.
Oculocutaneous albinism. Identifiers: Orphanet 55, MedGen C0078918, MONDO:0018910.
Oculocutaneous albinism type 1. Also called: Albinism 1; ALBINISM I. Identifiers: Orphanet 352731, MedGen C0268494, MONDO:0018135. Disease mechanism: loss of function.
Abnormality of the skin. Identifiers: MedGen C5848159, HP:0000951.

Allele frequency attached by ClinVar (database versions not stated): TOPMed 0.00048; ESP Exome Variant Server 0.00077; gnomAD 0.00051; 1000 Genomes Project 30x 0.00094; 1000 Genomes Project 0.00060.
gnomAD v4.1: 813 of 1,611,808 alleles (0.05%); highest among the groups gnomAD compares: Middle Eastern, 0.15%; 3 homozygotes.

Submissions 1 to 9 of 46:

Victorian Clinical Genetics Services, Murdoch Childrens Research Institute
Classification: Pathogenic for Oculocutaneous albinism type 1. Last evaluated: 2026-06-23. Review status: criteria provided, single submitter. Criteria: ACMG Guidelines, 2015. Collection method: clinical testing. Allele origin: germline. Affected: yes.
Comment: This variant is classified as Pathogenic. Evidence in support of pathogenic classification: Splice site variant proven to affect splicing of the transcript with uncertain effect on protein sequence. Functional studies involving mini-gene assays suggest this variant results in an NMD-predicted outcome, p.(Gly345Glufs*11) (PMID: 41428507); This variant has strong previous evidence of pathogenicity in unrelated individuals. This variant has been reported many times as likely pathogenic and pathogenic by clinical laboratories in ClinVar. It has also been reported in the literature in multiple compound heterozygous and homozygous individuals with oculocutaneous albinism (PMIDs: 35328057, 39457547, 41428507). Additional information: This variant is heterozygous; This gene is associated with autosomal recessive disease; Variant is present in gnomAD >=0.01 and <0.03 for a recessive condition within the Ashkenazi Jewish subpopulation (v4 overall: 807 heterozygote(s), 3 homozygote(s)); Loss of function is a known mechanism of disease in this gene and is associated with oculocutaneous albinism type 1 (MONDO:0018135); Variants in this gene are known to have variable expressivity (OMIM, PMID: 39457547); Inheritance information for this variant is not currently available in this individual.

PreventionGenetics, part of Exact Sciences
Classification: Pathogenic for TYR-related condition. Last evaluated: 2026-03-17. Review status: criteria provided, single submitter. Criteria: ACMG Guidelines, 2015. Collection method: clinical testing. Allele origin: germline.
Comment: The TYR c.1037-7T>A variant is predicted to interfere with splicing. This variant has been reported in many individuals with oculocutaneous albinism (see for examples Hutton and Spritz 2008. PubMed ID: 18463683; Wang et al. 2015. PubMed ID: 25919014; Marti et al. 2017. PubMed ID: 28976636; Moon et al. 2022. PubMed ID: 35052368). A functional study using an exon trapping assay demonstrated that this variant causes abnormal splicing, leading to premature protein termination (Goto et al. 2004. PubMed ID: 15381243, Fig. 5 reported as IVS2-10deltt-7t-a). This variant is present in 1.5% of alleles in individuals of Ashkenazi Jewish descent in gnomAD, indicating it is quite common in this population. This variant is interpreted as pathogenic.

CeGaT Center for Human Genetics Tuebingen
Classification: Pathogenic. Last evaluated: 2026-02-01. Review status: criteria provided, single submitter. Criteria: CeGaT Center For Human Genetics Tuebingen Variant Classification Criteria Version 2. Collection method: clinical testing. Allele origin: germline. Affected: yes. Observed: 12 variant alleles.
Comment: TYR: PM3:Very Strong, PVS1, PM2:Supporting

Institute of Human Genetics, University of Leipzig Medical Center
Classification: Pathogenic for Oculocutaneous albinism type 1A. Last evaluated: 2026-01-29. Review status: criteria provided, single submitter. Criteria: ACMG Guidelines, 2015. Collection method: clinical testing. Allele origin: unknown. Inheritance: Autosomal recessive inheritance. Affected: yes.
Comment: Criteria applied: PVS1,PM3_VSTR

Labcorp Genetics (formerly Invitae), Labcorp
Classification: Pathogenic. Last evaluated: 2026-01-27. Review status: criteria provided, single submitter. Criteria: Invitae Variant Classification Sherloc (09022015). Collection method: clinical testing. Allele origin: germline.
Comment: This sequence change falls in intron 2 of the TYR gene. It does not directly change the encoded amino acid sequence of the TYR protein. This variant is present in population databases (rs61754381, gnomAD 1.6%), and has an allele count higher than expected for a pathogenic variant. This variant has been observed in individual(s) with oculocutaneous albinism (OCA) (PMID: 9163730, 13680365, 18463683, 19626598, 29345414). In at least one individual the data is consistent with being in trans (on the opposite chromosome) from a pathogenic variant. This variant is also known as IVS2-7T>A. ClinVar contains an entry for this variant (Variation ID: 99527). Algorithms developed to predict the effect of sequence changes on RNA splicing suggest that this variant may disrupt the consensus splice site. For these reasons, this variant has been classified as Pathogenic.

Dasa
Classification: Pathogenic. Last evaluated: 2025-12-02. Review status: criteria provided, single submitter. Criteria: DASA Assertion Criteria. Collection method: clinical testing. Allele origin: germline.
Comment: NM_000372.5(TYR):c.1037-7T>A is a splice-region variant predicted to affect normal RNA splicing. This variant has been recurrently observed in individuals with related phenotype (PMID: 30868578; PMID: 35729001; PMID: 32411182; PMID: 35328057). Multiple computational predictions support a deleterious effect on the gene or gene product. The variant is present at low frequency in population datasets. Based on the available data, this variant is classified as pathogenic.

North West Genomic Laboratory Hub, Manchester University NHS Foundation Trust
Classification: Pathogenic for Albinism or congenital nystagmus. Last evaluated: 2025-10-10. Review status: criteria provided, single submitter. Criteria: ACGS Best Practice Guidelines for Variant Classification in Rare Disease 2024. Collection method: clinical testing. Allele origin: germline. Affected: yes.
Comment: PM3_VStr PM2_Mod PP3_Supp

GeneDx
Classification: Pathogenic. Last evaluated: 2025-06-26. Review status: criteria provided, single submitter. Criteria: GeneDx Variant Classification Process June 2021. Collection method: clinical testing. Allele origin: germline. Affected: yes.
Comment: In silico analysis supports a deleterious effect on splicing; This variant is associated with the following publications: (PMID: 18326704, 13680365, 22294196, 26474496, 28451379, 28266639, 32411182, 8217557, 25525159, 11041370, 25919014, 18463683, 15381243, 28629449, 19060277, 19865097, 20861488, 24721949, 28555837, 30609409, 30868578, 31077556, 28976636, 30996339, 31229681, 31980526, 36964972, 36460718, 37217489, 34426522, 31589614, 10559577, 34008892, 33223529, 33808351, Moon[case report], 35328057, 34838614, 35923705, 33834455, 35052368, 34697415, 32552135, 37403904, 38219857, 38374194)

Ambry Genetics
Classification: Pathogenic for Inborn genetic diseases. Last evaluated: 2025-03-14. Review status: criteria provided, single submitter. Criteria: Ambry Variant Classification Scheme 2023. Collection method: clinical testing. Allele origin: germline.
Comment: The c.1037-7T>A intronic alteration results from a T to A substitution 7 nucleotides before coding exon 3 of the TYR gene. Based on data from gnomAD, the A allele has an overall frequency of 0.086% (242/280938) total alleles studied. The highest observed frequency was 1.501% (155/10330) of Ashkenazi Jewish alleles. This variant has been identified in the homozygous state and in conjunction with other TYR variants in multiple individuals with features consistent with TYR-related oculocutaneous albinism; in at least one instance, the variants were identified in trans (Hutton, 2008; Wei, 2022; Lasseaux, 2018). This nucleotide position is not well conserved in available vertebrate species. In silico splice site analysis predicts that this alteration may weaken the native splice acceptor site and will result in the creation or strengthening of a novel splice acceptor site. Based on the available evidence, this alteration is classified as pathogenic.